The following is an entry in ClinVar:

NM_004415.4(DSP):c.108C>T (p.Gly36=)

Genes: DSP-AS1 (DSP antisense RNA 1; minus strand), DSP (desmoplakin; plus strand). Cytogenetic location: 6p24.3.
Variant type: single nucleotide variant.
Coding change: c.108C>T on transcript NM_004415.4 (MANE Select); coding-DNA position 108, C replaced by T.
Protein change: p.Gly36=; no amino-acid change (glycine 36 retained).
Molecular consequence: synonymous variant.
Genome position (GRCh38, 1-based): chr6:7,542,023, C>T. VCF-style: chr6-7542023-C-T. GRCh37 (hg19) VCF-style: chr6-7542256-C-T.
Other names: c.108C>T, p.Gly36= (NM_001008844.3, NM_001319034.2).
Identifiers: ClinVar variation 859674 (VCV000859674.13), dbSNP rs755510597, ClinGen allele CA026959.
Genomic context (GRCh38, chr6:7,542,023, plus strand): 5'-CATGATCCGCGCCGAGTCTGGCCCGGACCTGCGCTACGAGGTGACCAGCGGCGGCGGGGG[C>T]ACCAGCAGGATGTACTATTCTCGGCGCGGCGTGATCACCGACCAGAACTCGGACGGCTAC-3'
Protein context (NP_004406.2, residues 26-46): LRYEVTSGGG[Gly36=]TSRMYYSRRG

ClinVar aggregate classification (germline): Benign/Likely benign. Review status: criteria provided, multiple submitters, no conflicts (2 of 4 stars). 4 submissions from 4 submitters: Benign (1); Likely benign (3). Last evaluated 2025-08-18.

Conditions:
Cardiomyopathy (CMYO). Also called: Cardiomyopathies. Identifiers: Orphanet 167848, MedGen C0878544, MONDO:0004994, HP:0001638. Inheritance: Various modes of inheritance.
Arrhythmogenic cardiomyopathy with wooly hair and keratoderma. Also called: Carvajal syndrome; PALMOPLANTAR KERATODERMA WITH LEFT VENTRICULAR CARDIOMYOPATHY AND WOOLLY HAIR; Dilated cardiomyopathy with woolly hair and keratoderma; Arrhythmogenic cardiomyopathy with woolly hair and keratoderma. Identifiers: Orphanet 65282, MedGen C1854063, MONDO:0011581, OMIM 605676.
Cardiovascular phenotype. Identifiers: MedGen CN230736.
Arrhythmogenic right ventricular dysplasia 8 (ARVD8). Also called: ARRHYTHMOGENIC RIGHT VENTRICULAR DYSPLASIA, FAMILIAL, 8; Arrhythmogenic Right Ventricular Dysplasia/Cardiomyopathy 8; ARRHYTHMOGENIC RIGHT VENTRICULAR CARDIOMYOPATHY 8. Identifiers: MedGen C1843896, MONDO:0011831, OMIM 607450.

Allele frequency attached by ClinVar (database versions not stated): TOPMed below 0.00001; gnomAD 0.00001; gnomAD exomes 0.00001; ExAC 0.00003.

Submissions (4):

Labcorp Genetics (formerly Invitae), Labcorp
Classification: Benign for Arrhythmogenic cardiomyopathy with wooly hair and keratoderma; Arrhythmogenic right ventricular dysplasia 8. Last evaluated: 2025-08-18. Review status: criteria provided, single submitter. Criteria: Invitae Variant Classification Sherloc (09022015). Collection method: clinical testing. Allele origin: germline.

Ambry Genetics
Classification: Likely benign for Cardiovascular phenotype. Last evaluated: 2025-04-20. Review status: criteria provided, single submitter. Criteria: Ambry Variant Classification Scheme 2023. Collection method: clinical testing. Allele origin: germline.

All of Us Research Program, National Institutes of Health
Classification: Likely benign for Arrhythmogenic cardiomyopathy with wooly hair and keratoderma. Last evaluated: 2023-07-22. Review status: criteria provided, single submitter. Criteria: ACMG Guidelines, 2015. Collection method: clinical testing. Allele origin: germline. Inheritance: Autosomal dominant inheritance. Observed: 1 variant allele, 1 heterozygote.
Comment: This study involves interpretation of variants in research participants for the purpose of population health screening. Participant phenotype was not available at the time of variant classification. Additional details can be found in publication PMID: 35346344, PMCID: PMC8962531

Color Diagnostics, LLC DBA Color Health
Classification: Likely benign for Cardiomyopathy. Last evaluated: 2019-08-09. Review status: criteria provided, single submitter. Criteria: ACMG Guidelines, 2015. Collection method: clinical testing. Allele origin: germline.